The following is an entry in ClinVar:

ClinVar aggregate classification (germline): Likely benign (1 of 4 stars; one submission).

Conditions:
Mitochondrial DNA depletion syndrome, myopathic form (MTDPS2). Also called: MITOCHONDRIAL DNA DEPLETION SYNDROME 2 (MYOPATHIC TYPE); MITOCHONDRIAL DNA DEPLETION MYOPATHY, TK2-RELATED; TK2-Related Mitochondrial DNA Maintenance Defect, Myopathic Form. Identifiers: Orphanet 254875, MedGen C3149750, MONDO:0012301, OMIM 609560.

Allele frequency attached by ClinVar (database versions not stated): gnomAD 0.00156 and 0.00160; 1000 Genomes Project 0.00439.

Submission:

Illumina Laboratory Services, Illumina
Classification: Likely benign for Mitochondrial DNA depletion syndrome, myopathic form. Last evaluated: 2018-01-13. Review status: criteria provided, single submitter. Criteria: ICSL Variant Classification Criteria 13 December 2019. Collection method: clinical testing. Allele origin: germline.
Comment: This variant was observed in the ICSL laboratory as part of a predisposition screen in an ostensibly healthy population. It had not been previously curated by ICSL or reported in the Human Gene Mutation Database (HGMD: prior to June 1st, 2018), and was therefore a candidate for classification through an automated scoring system. Utilizing variant allele frequency, disease prevalence and penetrance estimates, and inheritance mode, an automated score was calculated to assess if this variant is too frequent to cause the disease. Based on the score and internal cut-off values, a variant classified as likely benign is not then subjected to further curation. The score for this variant resulted in a classification of likely benign for this disease.

NM_004614.5(TK2):c.*1740T>C

Gene: TK2 (thymidine kinase 2; minus strand). Cytogenetic location: 16q21.
Variant type: single nucleotide variant.
Coding change: c.*1740T>C on transcript NM_004614.5 (MANE Select); 1740 bases downstream of the stop codon, T replaced by C.
Molecular consequence: 3 prime UTR variant. On other transcripts: non-coding transcript variant (1).
Genome position (GRCh38, 1-based): chr16:66,510,228, A>G on the plus strand (T>C on the coding strand, the complement: TK2 is on the minus strand). VCF-style: chr16-66510228-A-G. GRCh37 (hg19) VCF-style: chr16-66544131-A-G.
Other names: c.*1740T>C (NM_001172643.1, NM_001172644.2, NM_001172645.2 and 2 more transcripts); c.*1835T>C (NM_001271935.1).
Identifiers: ClinVar variation 320134 (VCV000320134.5), dbSNP rs548520268, ClinGen allele CA10638187.